The following is an entry in ClinVar:

NM_020921.4(NIN):c.1611A>C (p.Arg537Ser)

Gene: NIN (ninein; minus strand). Cytogenetic location: 14q22.1.
Variant type: single nucleotide variant.
Coding change: c.1611A>C on transcript NM_020921.4 (MANE Select); coding-DNA position 1611, A replaced by C.
Protein change: p.Arg537Ser; replaces arginine 537 with serine.
Molecular consequence: missense variant.
Genome position (GRCh38, 1-based): chr14:50,766,331, T>G on the plus strand (A>C on the coding strand, the complement: NIN is on the minus strand). VCF-style: chr14-50766331-T-G. GRCh37 (hg19) VCF-style: chr14-51233049-T-G.
Other names: c.1611A>C, p.Arg537Ser (NM_182944.3, NM_182946.2, NM_016350.5); short protein forms R537S.
Identifiers: ClinVar variation 3019614 (VCV003019614.3), dbSNP rs916052391, ClinGen allele CA260837331.
Genomic context (GRCh38, chr14:50,766,331, plus strand): 5'-ACTCCTGCACTTACTCAGTTCTCTTTGTCTACCTACCCTGCACTGCCGCTCATATTCATT[T>G]CTCATCTGTGTCAGTCTCTCTTCTTGCAGGAAGAACTCAGCACTGCTAGGATCGAGGTCA-3'
Protein context (NP_065972.4, residues 527-547): FLQEERLTQM[Arg537Ser]NEYERQCRVL

ClinVar aggregate classification (germline): Uncertain significance (1 of 4 stars; one submission).

Allele frequency attached by ClinVar (database versions not stated): gnomAD exomes below 0.00001.
gnomAD v4.1: 1 of 1,614,056 alleles (0.000062%); highest among the groups gnomAD compares: African/African-American, 0.0013%; no homozygotes.

Submission:

Labcorp Genetics (formerly Invitae), Labcorp
Classification: Uncertain significance. Last evaluated: 2023-07-16. Review status: criteria provided, single submitter. Criteria: Invitae Variant Classification Sherloc (09022015). Collection method: clinical testing. Allele origin: germline.
Comment: In summary, the available evidence is currently insufficient to determine the role of this variant in disease. Therefore, it has been classified as a Variant of Uncertain Significance. An algorithm developed to predict the effect of missense changes on protein structure and function (PolyPhen-2) suggests that this variant is likely to be disruptive. This variant has not been reported in the literature in individuals affected with NIN-related conditions. This variant is not present in population databases (gnomAD no frequency). This sequence change replaces arginine, which is basic and polar, with serine, which is neutral and polar, at codon 537 of the NIN protein (p.Arg537Ser).